The following is an entry in ClinVar:

ClinVar aggregate classification (germline): Uncertain significance. Review status: criteria provided, multiple submitters, no conflicts (2 of 4 stars). 2 submissions from 2 submitters: Uncertain significance (2). Last evaluated 2025-07-18.

Conditions:
Inborn genetic diseases. Identifiers: MedGen C0950123, MeSH D030342.
Nemaline myopathy 2 (NEM2). Also called: Nemaline myopathy 2, autosomal recessive. Identifiers: MedGen C1850569, MONDO:0009725, OMIM 256030.

Allele frequency attached by ClinVar (database versions not stated): gnomAD 0.00001; TOPMed 0.00001; ExAC 0.00004; 1000 Genomes Project 30x 0.00031.
gnomAD v4.1: 25 of 1,590,358 alleles (0.0016%); highest among the groups gnomAD compares: South Asian, 0.0057%; no homozygotes.

Submissions (2):

Ambry Genetics
Classification: Uncertain significance for Inborn genetic diseases. Last evaluated: 2025-07-18. Review status: criteria provided, single submitter. Criteria: Ambry Variant Classification Scheme 2023. Collection method: clinical testing. Allele origin: germline.

Labcorp Genetics (formerly Invitae), Labcorp
Classification: Uncertain significance for Nemaline myopathy 2. Last evaluated: 2022-06-27. Review status: criteria provided, single submitter. Criteria: Invitae Variant Classification Sherloc (09022015). Collection method: clinical testing. Allele origin: germline.
Comment: This sequence change replaces arginine, which is basic and polar, with histidine, which is basic and polar, at codon 6656 of the NEB protein (p.Arg6656His). The frequency data for this variant in the population databases is considered unreliable, as metrics indicate poor data quality at this position in the gnomAD database. This variant has not been reported in the literature in individuals affected with NEB-related conditions. ClinVar contains an entry for this variant (Variation ID: 950354). Algorithms developed to predict the effect of missense changes on protein structure and function output the following: SIFT: "Tolerated"; PolyPhen-2: "Not Available"; Align-GVGD: "Class C0". The histidine amino acid residue is found in multiple mammalian species, which suggests that this missense change does not adversely affect protein function. In summary, the available evidence is currently insufficient to determine the role of this variant in disease. Therefore, it has been classified as a Variant of Uncertain Significance.

NM_001164508.2(NEB):c.19967G>A (p.Arg6656His)

Gene: NEB (nebulin; minus strand). Cytogenetic location: 2q23.3.
Variant type: single nucleotide variant.
Coding change: c.19967G>A on transcript NM_001164508.2 (MANE Select); coding-DNA position 19967, G replaced by A.
Protein change: p.Arg6656His; replaces arginine 6656 with histidine.
Molecular consequence: missense variant.
Genome position (GRCh38, 1-based): chr2:151,549,718, C>T on the plus strand (G>A on the coding strand, the complement: NEB is on the minus strand). VCF-style: chr2-151549718-C-T. GRCh37 (hg19) VCF-style: chr2-152406232-C-T.
Other names: c.19967G>A, p.Arg6656His (NM_001164507.2, NM_001271208.2); c.14864G>A, p.Arg4955His (NM_004543.5); c.14864G>A (NM_004543.4); short protein forms R4955H, R6656H.
Identifiers: ClinVar variation 950354 (VCV000950354.7), dbSNP rs767200761, ClinGen allele CA1907470.